The following is an entry in ClinVar:

ClinVar aggregate classification (germline): Uncertain significance (1 of 4 stars; one submission).

Submission:

Labcorp Genetics (formerly Invitae), Labcorp
Classification: Uncertain significance. Last evaluated: 2025-02-13. Review status: criteria provided, single submitter. Criteria: Invitae Variant Classification Sherloc (09022015). Collection method: clinical testing. Allele origin: germline.
Comment: This sequence change replaces threonine, which is neutral and polar, with alanine, which is neutral and non-polar, at codon 433 of the LZTS1 protein (p.Thr433Ala). This variant is not present in population databases (gnomAD no frequency). This variant has not been reported in the literature in individuals affected with LZTS1-related conditions. Invitae Evidence Modeling of protein sequence and biophysical properties (such as structural, functional, and spatial information, amino acid conservation, physicochemical variation, residue mobility, and thermodynamic stability) indicates that this missense variant is not expected to disrupt LZTS1 protein function with a negative predictive value of 80%. In summary, the available evidence is currently insufficient to determine the role of this variant in disease. Therefore, it has been classified as a Variant of Uncertain Significance.

NM_021020.5(LZTS1):c.1297A>G (p.Thr433Ala)

Gene: LZTS1 (leucine zipper tumor suppressor 1; minus strand). Cytogenetic location: 8p21.3.
Variant type: single nucleotide variant.
Coding change: c.1297A>G on transcript NM_021020.5 (MANE Select); coding-DNA position 1297, A replaced by G.
Protein change: p.Thr433Ala; replaces threonine 433 with alanine.
Molecular consequence: missense variant.
Genome position (GRCh38, 1-based): chr8:20,250,216, T>C on the plus strand (A>G on the coding strand, the complement: LZTS1 is on the minus strand). VCF-style: chr8-20250216-T-C. GRCh37 (hg19) VCF-style: chr8-20107727-T-C.
Other names: c.1297A>G, p.Thr433Ala (NM_001362884.2); short protein forms T433A.
Identifiers: ClinVar variation 4705890 (VCV004705890.1).